The following is an entry in ClinVar:

ClinVar aggregate classification (germline): Uncertain significance (1 of 4 stars; one submission).

Conditions:
Inclusion body myopathy with early-onset Paget disease with or without frontotemporal dementia 2 (IBMPFD2). Also called: MULTISYSTEM PROTEINOPATHY 2. Identifiers: MedGen C3809468, MONDO:0014178, OMIM 615422.

Submission:

Labcorp Genetics (formerly Invitae), Labcorp
Classification: Uncertain significance for Inclusion body myopathy with early-onset Paget disease with or without frontotemporal dementia 2. Last evaluated: 2025-08-28. Review status: criteria provided, single submitter. Criteria: Invitae Variant Classification Sherloc (09022015). Collection method: clinical testing. Allele origin: germline.
Comment: This sequence change replaces histidine, which is basic and polar, with arginine, which is basic and polar, at codon 175 of the HNRNPA2B1 protein (p.His175Arg). This variant is not present in population databases (gnomAD no frequency). This variant has not been reported in the literature in individuals affected with HNRNPA2B1-related conditions. Invitae Evidence Modeling of protein sequence and biophysical properties (such as structural, functional, and spatial information, amino acid conservation, physicochemical variation, residue mobility, and thermodynamic stability) indicates that this missense variant is expected to disrupt HNRNPA2B1 protein function with a positive predictive value of 80%. In summary, the available evidence is currently insufficient to determine the role of this variant in disease. Therefore, it has been classified as a Variant of Uncertain Significance.

NM_002137.4(HNRNPA2B1):c.488A>G (p.His163Arg)

Gene: HNRNPA2B1 (heterogeneous nuclear ribonucleoprotein A2/B1; minus strand). Cytogenetic location: 7p15.2.
Variant type: single nucleotide variant.
Coding change: c.488A>G on transcript NM_002137.4 (MANE Select); coding-DNA position 488, A replaced by G.
Protein change: p.His163Arg; replaces histidine 163 with arginine.
Molecular consequence: missense variant.
Genome position (GRCh38, 1-based): chr7:26,196,646, T>C on the plus strand (A>G on the coding strand, the complement: HNRNPA2B1 is on the minus strand). VCF-style: chr7-26196646-T-C. GRCh37 (hg19) VCF-style: chr7-26236266-T-C.
Other names: c.488A>G, p.His163Arg (NM_001438063.1, NM_001438571.1, NM_001438572.1 and 4 more transcripts); c.524A>G, p.His175Arg (NM_001438568.1, NM_001438569.1, NM_001438570.1 and 3 more transcripts); short protein forms H163R, H175R.
Identifiers: ClinVar variation 4740886 (VCV004740886.1).